The following is an entry in ClinVar:

NM_006031.6(PCNT):c.8158A>C (p.Lys2720Gln)

Gene: PCNT (pericentrin; plus strand). Cytogenetic location: 21q22.3.
Variant type: single nucleotide variant.
Coding change: c.8158A>C on transcript NM_006031.6 (MANE Select); coding-DNA position 8158, A replaced by C.
Protein change: p.Lys2720Gln; replaces lysine 2720 with glutamine.
Molecular consequence: missense variant.
Genome position (GRCh38, 1-based): chr21:46,431,622, A>C. VCF-style: chr21-46431622-A-C. GRCh37 (hg19) VCF-style: chr21-47851536-A-C.
Other names: c.7804A>C, p.Lys2602Gln (NM_001315529.2); short protein forms K2720Q, K2602Q.
Identifiers: ClinVar variation 4991890 (VCV004991890.1).
Genomic context (GRCh38, chr21:46,431,622, plus strand): 5'-CAGAGCAGTCGACTCTGCGTGGCACTGAAACACGAGCAGACGGCCAAGGACAACCTGCAG[A>C]AGGAGCTGCGTATCGAGCACTCACGCTGCGAGGCCTTGCTGGCTCAGGAGCGGAGCCAGC-3'
Protein context (NP_006022.3, residues 2710-2730): HEQTAKDNLQ[Lys2720Gln]ELRIEHSRCE

ClinVar aggregate classification (germline): Uncertain significance (1 of 4 stars; one submission).

Conditions:
PCNT-related disorder. Also called: PCNT-related condition.

Submission:

PreventionGenetics, part of Exact Sciences
Classification: Uncertain significance for PCNT-related condition. Last evaluated: 2025-12-10. Review status: criteria provided, single submitter. Criteria: ACMG Guidelines, 2015. Collection method: clinical testing. Allele origin: germline.
Comment: The PCNT c.8158A>C variant is predicted to result in the amino acid substitution p.Lys2720Gln. To our knowledge, this variant has not been reported in the literature or in a large population database (gnomAD), indicating this variant is rare. At this time, the clinical significance of this variant is uncertain due to the absence of conclusive functional and genetic evidence.